The following is an entry in ClinVar:

ClinVar aggregate classification (germline): Pathogenic (1 of 4 stars; one submission).

Conditions:
Treacher Collins syndrome 1 (TCS1). Also called: TCOF1-Related Treacher Collins Syndrome. Identifiers: Orphanet 861, MedGen CN315775, MONDO:0007944, OMIM 154500.

Submission:

Labcorp Genetics (formerly Invitae), Labcorp
Classification: Pathogenic for Treacher Collins syndrome 1. Last evaluated: 2018-07-27. Review status: criteria provided, single submitter. Criteria: Invitae Variant Classification Sherloc (09022015). Collection method: clinical testing. Allele origin: germline.
Comment: For these reasons, this variant has been classified as Pathogenic. This variant is a gross deletion of the genomic region encompassing exons 24-26 of the TCOF1 gene. The 5' boundary is likely confined to intron 23. The 3' end of this event is unknown as it extends through the termination codon beyond the assayed region for this gene and may encompass additional genes. While this deletion is not anticipated to result in nonsense mediated decay, it is expected to create a truncated TCOF1 protein. Experimental studies have shown that the final 160-190 amino acids of the TCOF1 protein contain nuclear and nucleolar localization signals. Deletion of these residues leads to mislocalization of the protein in cell culture-based assays (PMID: 9811939, 9736782). Similar deletions of this region have been reported in patients affected with Treacher Collins syndrome (PMID:¬†22317976).

Literature cited by the submitters: PubMed 9811939; PubMed 9736782.

NC_000005.9:g.(?_149775825)_(149778631_?)del

Gene: TCOF1 (treacle ribosome biogenesis factor 1; plus strand). Cytogenetic location: 5q32.
Variant type: Deletion.
Identifiers: ClinVar variation 1072690 (VCV001072690.7).